The following is an entry in ClinVar:

NM_000093.5(COL5A1):c.3259-5C>T

Gene: COL5A1 (collagen type V alpha 1 chain; plus strand). Cytogenetic location: 9q34.3.
Variant type: single nucleotide variant.
Coding change: c.3259-5C>T on transcript NM_000093.5 (MANE Select); 5 bases into the intron before coding-DNA position 3259, C replaced by T.
Molecular consequence: intron variant.
Genome position (GRCh38, 1-based): chr9:134,806,184, C>T. VCF-style: chr9-134806184-C-T. GRCh37 (hg19) VCF-style: chr9-137698030-C-T.
Other names: c.3259-5C>T (NM_001278074.1).
Identifiers: ClinVar variation 1729489 (VCV001729489.6), dbSNP rs1468758171, ClinGen allele CA591106723.
Genomic context (GRCh38, chr9:134,806,184, plus strand): 5'-TTACAAAGTCACGACCACGCAGTCTGAGAGCCTTTGAAGCAGACTGTTTTCTTGCTCCAC[C>T]TCAGGGATCTCCAGGGGAGAGAGGTCCAGCTGGAGCCGCTGGGCCCATCGGAATTCCAGG-3'

ClinVar aggregate classification (germline): Conflicting classifications of pathogenicity. Review status: criteria provided, conflicting classifications (1 of 4 stars). 3 submissions from 3 submitters: Uncertain significance (1); Likely benign (2). Last evaluated 2026-08-28.

Conditions:
Ehlers-Danlos syndrome, classic type, 1 (EDSCL1). Also called: EHLERS-DANLOS SYNDROME, GRAVIS TYPE; EHLERS-DANLOS SYNDROME, SEVERE CLASSIC TYPE; Ehlers-Danlos Syndrome, Classic Type, COL5A1-Related; Ehlers-Danlos syndrome, type 1; EDS I. Identifiers: MedGen C0268335, MONDO:0019567, OMIM 130000.
Familial thoracic aortic aneurysm and aortic dissection (TAAD). Also called: Thoracic aortic aneurysms and dissections. Identifiers: Orphanet 91387, MedGen C4707243, MONDO:0019625.

Allele frequency attached by ClinVar (database versions not stated): gnomAD 0.00001; gnomAD exomes below 0.00001; TOPMed 0.00001.
gnomAD v4.1: 6 of 1,548,530 alleles (0.00039%); highest among the groups gnomAD compares: Non-Finnish European, 0.00052%; no homozygotes.

Submissions (3):

Ambry Genetics
Classification: Uncertain significance for Familial thoracic aortic aneurysm and aortic dissection. Last evaluated: 2026-08-28. Review status: criteria provided, single submitter. Criteria: Ambry Variant Classification Scheme 2023. Collection method: clinical testing. Allele origin: germline.
Comment: The c.3259-5C>T intronic variant results from a C to T substitution 5 nucleotides upstream from coding exon 42 in the COL5A1 gene. This nucleotide position is poorly conserved in available vertebrate species. In silico splice site analysis predicts that this alteration will not have any significant effect on splicing. Based on the available evidence, the clinical significance of this variant remains unclear.

Women's Health and Genetics/Laboratory Corporation of America, LabCorp
Classification: Likely benign. Last evaluated: 2026-03-23. Review status: criteria provided, single submitter. Criteria: LabCorp Variant Classification Summary - May 2015. Collection method: clinical testing. Allele origin: germline.

Labcorp Genetics (formerly Invitae), Labcorp
Classification: Likely benign for Ehlers-Danlos syndrome, classic type, 1. Last evaluated: 2024-06-09. Review status: criteria provided, single submitter. Criteria: Invitae Variant Classification Sherloc (09022015). Collection method: clinical testing. Allele origin: germline.